The following is an entry in ClinVar:

NM_006767.4(LZTR1):c.*20A>G

Gene: LZTR1 (leucine zipper like post translational regulator 1; plus strand). Cytogenetic location: 22q11.21.
Variant type: single nucleotide variant.
Coding change: c.*20A>G on transcript NM_006767.4 (MANE Select); 20 bases downstream of the stop codon, A replaced by G.
Molecular consequence: 3 prime UTR variant.
Genome position (GRCh38, 1-based): chr22:20,997,368, A>G. VCF-style: chr22-20997368-A-G. GRCh37 (hg19) VCF-style: chr22-21351657-A-G.
Identifiers: ClinVar variation 4887533 (VCV004887533.1).

ClinVar aggregate classification (germline): Uncertain significance (1 of 4 stars; one submission).

gnomAD v4.1: 24 of 1,557,280 alleles (0.0015%); highest among the groups gnomAD compares: African/African-American, 0.012%; no homozygotes.

Submission:

Women's Health and Genetics/Laboratory Corporation of America, LabCorp
Classification: Uncertain significance. Last evaluated: 2026-06-03. Review status: criteria provided, single submitter. Criteria: LabCorp Variant Classification Summary - May 2015. Collection method: clinical testing. Allele origin: germline.
Comment: Variant summary: LZTR1 c.*20A>G is located in the untranslated mRNA region downstream of the termination codon. The variant allele was found at a frequency of 2.4e-05 in 248414 control chromosomes. The available data on variant occurrences in the general population are insufficient to allow any conclusion about variant significance. To our knowledge, no occurrence of c.*20A>G in individuals affected with LZTR1-related conditions and no experimental evidence demonstrating its impact on protein function have been reported. No submitters have cited clinical-significance assessments for this variant to ClinVar. Based on the evidence outlined above, the variant was classified as uncertain significance.